The following is an entry in ClinVar:

NM_000196.4(HSD11B2):c.885C>A (p.Tyr295Ter)

Gene: HSD11B2 (hydroxysteroid 11-beta dehydrogenase 2; plus strand). Cytogenetic location: 16q22.1.
Variant type: single nucleotide variant.
Coding change: c.885C>A on transcript NM_000196.4 (MANE Select); coding-DNA position 885, C replaced by A.
Protein change: p.Tyr295Ter; replaces tyrosine 295 with a stop codon.
Molecular consequence: nonsense.
Genome position (GRCh38, 1-based): chr16:67,436,670, C>A. VCF-style: chr16-67436670-C-A. GRCh37 (hg19) VCF-style: chr16-67470573-C-A.
Other names: short protein forms Y295*.
Identifiers: ClinVar variation 4884044 (VCV004884044.2).

ClinVar aggregate classification (germline): Likely pathogenic (1 of 4 stars; one submission).

Submission:

Dasa
Classification: Likely pathogenic. Last evaluated: 2025-07-22. Review status: criteria provided, single submitter. Criteria: DASA Assertion Criteria. Collection method: clinical testing. Allele origin: germline.
Comment: NM_000196.4(HSD11B2):c.885C>A (p.Tyr295*) is a nonsense variant in HSD11B2 predicted to introduce a premature termination codon and is predicted to result in an absent or altered protein product. Loss of function is an established disease mechanism for HSD11B2-associated disorders. Also, this variant is absent from population databases. Based on the currently available evidence, this variant is classified as likely pathogenic.